The following is an entry in ClinVar:

NM_002497.4(NEK2):c.454A>G (p.Lys152Glu)

Gene: NEK2 (NIMA related kinase 2; minus strand). Cytogenetic location: 1q32.3.
Variant type: single nucleotide variant.
Coding change: c.454A>G on transcript NM_002497.4 (MANE Select); coding-DNA position 454, A replaced by G.
Protein change: p.Lys152Glu; replaces lysine 152 with glutamic acid.
Molecular consequence: missense variant.
Genome position (GRCh38, 1-based): chr1:211,673,584, T>C on the plus strand (A>G on the coding strand, the complement: NEK2 is on the minus strand). VCF-style: chr1-211673584-T-C. GRCh37 (hg19) VCF-style: chr1-211846926-T-C.
Other names: c.454A>G (NM_002497.3); c.454A>G, p.Lys152Glu (NM_001204182.2, NM_001204183.2); short protein forms K152E.
Identifiers: ClinVar variation 1474433 (VCV001474433.10), dbSNP rs377505890, ClinGen allele CA1381684.

ClinVar aggregate classification (germline): Uncertain significance. Review status: criteria provided, multiple submitters, no conflicts (2 of 4 stars). 3 submissions from 3 submitters: Uncertain significance (3). Last evaluated 2025-08-20.

Allele frequency attached by ClinVar (database versions not stated): gnomAD exomes 0.00001 and 0.00004; ExAC 0.00005; gnomAD 0.00009 and 0.00011; ESP Exome Variant Server 0.00015.
gnomAD v4.1: 35 of 1,614,032 alleles (0.0022%); highest among the groups gnomAD compares: African/African-American, 0.041%; no homozygotes.

Submissions (3):

Labcorp Genetics (formerly Invitae), Labcorp
Classification: Uncertain significance. Last evaluated: 2025-08-20. Review status: criteria provided, single submitter. Criteria: Invitae Variant Classification Sherloc (09022015). Collection method: clinical testing. Allele origin: germline.
Comment: This sequence change replaces lysine, which is basic and polar, with glutamic acid, which is acidic and polar, at codon 152 of the NEK2 protein (p.Lys152Glu). This variant is present in population databases (rs377505890, gnomAD 0.04%). This variant has not been reported in the literature in individuals affected with NEK2-related conditions. ClinVar contains an entry for this variant (Variation ID: 1474433). An algorithm developed to predict the effect of missense changes on protein structure and function (PolyPhen-2) suggests that this variant is likely to be tolerated. In summary, the available evidence is currently insufficient to determine the role of this variant in disease. Therefore, it has been classified as a Variant of Uncertain Significance.

Ambry Genetics
Classification: Uncertain significance. Last evaluated: 2024-07-17. Review status: criteria provided, single submitter. Criteria: Ambry Variant Classification Scheme 2023. Collection method: clinical testing. Allele origin: germline.

Blueprint Genetics
Classification: Uncertain significance. Last evaluated: 2021-10-14. Review status: criteria provided, single submitter. Criteria: ACMG Guidelines, 2015. Collection method: clinical testing. Allele origin: germline.